The following is an entry in ClinVar:

ClinVar aggregate classification (germline): Uncertain significance (1 of 4 stars; one submission).

Conditions:
Cardiovascular phenotype. Identifiers: MedGen CN230736.

Submission:

Ambry Genetics
Classification: Uncertain significance for Cardiovascular phenotype. Last evaluated: 2021-07-02. Review status: criteria provided, single submitter. Criteria: Ambry Variant Classification Scheme 2023. Collection method: clinical testing. Allele origin: germline.
Comment: The c.33+5G>A intronic variant results from a G to A substitution 5 nucleotides after coding exon 1 in the EYA4 gene. This nucleotide position is highly conserved in available vertebrate species. In silico splice site analysis predicts that this alteration will weaken the native splice donor site. Since supporting evidence is limited at this time, the clinical significance of this alteration remains unclear.

NM_004100.5(EYA4):c.33+5G>A

Gene: EYA4 (EYA transcriptional coactivator and phosphatase 4; plus strand). Cytogenetic location: 6q23.2.
Variant type: single nucleotide variant.
Coding change: c.33+5G>A on transcript NM_004100.5 (MANE Select); 5 bases into the intron after coding-DNA position 33, G replaced by A.
Molecular consequence: intron variant.
Genome position (GRCh38, 1-based): chr6:133,274,818, G>A. VCF-style: chr6-133274818-G-A. GRCh37 (hg19) VCF-style: chr6-133595956-G-A.
Other names: c.33+5G>A (NM_001301013.2, NM_172105.4, NM_001370458.1 and 3 more transcripts).
Identifiers: ClinVar variation 1729969 (VCV001729969.2), dbSNP rs1777030034, ClinGen allele CA2578745032.